The following is an entry in ClinVar:

ClinVar aggregate classification (germline): Pathogenic (1 of 4 stars; one submission).

Conditions:
Duchenne muscular dystrophy (DMD). Also called: MUSCULAR DYSTROPHY, PSEUDOHYPERTROPHIC PROGRESSIVE, DUCHENNE TYPE; Duchenne Muscular Dystrophy (DMD). Identifiers: Orphanet 98896, MedGen C0013264, MONDO:0010679, OMIM 310200.

Submission:

Labcorp Genetics (formerly Invitae), Labcorp
Classification: Pathogenic for Duchenne muscular dystrophy. Last evaluated: 2019-12-23. Review status: criteria provided, single submitter. Criteria: Invitae Variant Classification Sherloc (09022015). Collection method: clinical testing. Allele origin: germline.
Comment: This variant is an out-of-frame deletion of the genomic region encompassing exon 52 of the DMD gene. This is expected to create a premature translational stop signal and result in an absent or disrupted protein product. A similar deletion of exon 52 has been reported in the literature in individuals affected with both Duchenne muscular dystrophy and Becker muscular dystrophy (PMID: 22510846, 23914114, 25244321, 26081009). Loss-of-function variants in DMD are known to be pathogenic (PMID: 16770791, 25007885). For these reasons, this variant has been classified as Pathogenic.

Literature cited by the submitters: PubMed 26081009; PubMed 23914114; PubMed 25244321; PubMed 22510846.

NC_000023.11:g.(?_31729621)_(31729758_?)del

Gene: DMD (dystrophin; minus strand). Cytogenetic location: Xp21.1.
Variant type: Deletion.
Identifiers: ClinVar variation 654104 (VCV000654104.2).